The following is an entry in ClinVar:

NM_177438.3(DICER1):c.1736A>G (p.Tyr579Cys)

Gene: DICER1 (dicer 1, ribonuclease III; minus strand). Cytogenetic location: 14q32.13.
Variant type: single nucleotide variant.
Coding change: c.1736A>G on transcript NM_177438.3 (MANE Select); coding-DNA position 1736, A replaced by G.
Protein change: p.Tyr579Cys; replaces tyrosine 579 with cysteine.
Molecular consequence: missense variant.
Genome position (GRCh38, 1-based): chr14:95,116,469, T>C on the plus strand (A>G on the coding strand, the complement: DICER1 is on the minus strand). VCF-style: chr14-95116469-T-C. GRCh37 (hg19) VCF-style: chr14-95582806-T-C.
Other names: c.1736A>G, p.Tyr579Cys (NM_001195573.1, NM_001271282.3, NM_001291628.2 and 1 more transcripts); short protein forms Y579C.
Identifiers: ClinVar variation 477055 (VCV000477055.26), dbSNP rs769034924, ClinGen allele CA7331436.

ClinVar aggregate classification (germline): Uncertain significance. Review status: criteria provided, multiple submitters, no conflicts (2 of 4 stars). 3 submissions from 3 submitters: Uncertain significance (3). Last evaluated 2025-12-29.

Conditions:
DICER1-related tumor predisposition. Also called: DICER1-related pleuropulmonary blastoma cancer predisposition syndrome; DICER1 syndrome. Identifiers: Orphanet 284343, MedGen C3839822, MONDO:0100216.
Hereditary cancer-predisposing syndrome. Also called: Tumor predisposition; Neoplastic Syndromes, Hereditary; Hereditary Cancer Syndrome; Hereditary neoplastic syndrome. Identifiers: Orphanet 140162, MedGen C0027672, MeSH D009386, MONDO:0015356.

Allele frequency attached by ClinVar (database versions not stated): gnomAD exomes below 0.00001; ExAC 0.00001.
gnomAD v4.1: 1 of 1,612,592 alleles (0.000062%); highest among the groups gnomAD compares: Non-Finnish European, 0.000085%; no homozygotes.

Submissions (3):

Center for Genomic Medicine, Rigshospitalet, Copenhagen University Hospital
Classification: Uncertain significance. Last evaluated: 2025-12-29. Review status: criteria provided, single submitter. Criteria: ACMG Guidelines, 2015. Collection method: clinical testing. Allele origin: germline.

Labcorp Genetics (formerly Invitae), Labcorp
Classification: Uncertain significance for DICER1-related tumor predisposition. Last evaluated: 2025-10-14. Review status: criteria provided, single submitter. Criteria: Invitae Variant Classification Sherloc (09022015). Collection method: clinical testing. Allele origin: germline.
Comment: This sequence change replaces tyrosine, which is neutral and polar, with cysteine, which is neutral and slightly polar, at codon 579 of the DICER1 protein (p.Tyr579Cys). This variant is present in population databases (rs769034924, gnomAD 0.0009%). This variant has not been reported in the literature in individuals affected with DICER1-related conditions. ClinVar contains an entry for this variant (Variation ID: 477055). Invitae Evidence Modeling of protein sequence and biophysical properties (such as structural, functional, and spatial information, amino acid conservation, physicochemical variation, residue mobility, and thermodynamic stability) has been performed for this missense variant. However, the output from this modeling did not meet the statistical confidence thresholds required to predict the impact of this variant on DICER1 protein function. In summary, the available evidence is currently insufficient to determine the role of this variant in disease. Therefore, it has been classified as a Variant of Uncertain Significance.

Ambry Genetics
Classification: Uncertain significance for Hereditary cancer-predisposing syndrome. Last evaluated: 2023-01-23. Review status: criteria provided, single submitter. Criteria: Ambry Variant Classification Scheme 2023. Collection method: clinical testing. Allele origin: germline.
Comment: The p.Y579C variant (also known as c.1736A>G), located in coding exon 9 of the DICER1 gene, results from an A to G substitution at nucleotide position 1736. The tyrosine at codon 579 is replaced by cysteine, an amino acid with highly dissimilar properties. This amino acid position is highly conserved in available vertebrate species. In addition, the in silico prediction for this alteration is inconclusive. Since supporting evidence is limited at this time, the clinical significance of this alteration remains unclear.